The following is an entry in ClinVar:

NM_000138.5(FBN1):c.3497G>A (p.Cys1166Tyr)

Gene: FBN1 (fibrillin 1; minus strand). Cytogenetic location: 15q21.1.
Variant type: single nucleotide variant.
Coding change: c.3497G>A on transcript NM_000138.5 (MANE Select); coding-DNA position 3497, G replaced by A.
Protein change: p.Cys1166Tyr; replaces cysteine 1166 with tyrosine.
Molecular consequence: missense variant.
Genome position (GRCh38, 1-based): chr15:48,487,167, C>T on the plus strand (G>A on the coding strand, the complement: FBN1 is on the minus strand). VCF-style: chr15-48487167-C-T. GRCh37 (hg19) VCF-style: chr15-48779364-C-T.
Other names: short protein forms C1166Y.
Identifiers: ClinVar variation 863722 (VCV000863722.31), dbSNP rs2043515038, ClinGen allele CA392325255.

ClinVar aggregate classification (germline): Pathogenic/Likely pathogenic. Review status: criteria provided, multiple submitters, no conflicts (2 of 4 stars). 2 submissions from 2 submitters: Pathogenic (1); Likely pathogenic (1). Last evaluated 2025-08-21.

Conditions:
Familial thoracic aortic aneurysm and aortic dissection (TAAD). Also called: Thoracic aortic aneurysms and dissections. Identifiers: Orphanet 91387, MedGen C4707243, MONDO:0019625.
Marfan syndrome (MFS). Also called: Marfan syndrome type 1; Marfan's syndrome; Marfan syndrome, classic; MARFAN SYNDROME, TYPE I; FBN1-Related Marfan Syndrome. Identifiers: Orphanet 284963, Orphanet 558, MedGen C0024796, MONDO:0007947, OMIM 154700.

Submissions (2):

Labcorp Genetics (formerly Invitae), Labcorp
Classification: Pathogenic for Marfan syndrome; Familial thoracic aortic aneurysm and aortic dissection. Last evaluated: 2025-08-21. Review status: criteria provided, single submitter. Criteria: Invitae Variant Classification Sherloc (09022015). Collection method: clinical testing. Allele origin: germline.
Comment: This sequence change replaces cysteine, which is neutral and slightly polar, with tyrosine, which is neutral and polar, at codon 1166 of the FBN1 protein (p.Cys1166Tyr). This variant is not present in population databases (gnomAD no frequency). This missense change has been observed in individual(s) with Marfan syndrome (PMID: 10189222, 31730815). ClinVar contains an entry for this variant (Variation ID: 863722). Invitae Evidence Modeling of protein sequence and biophysical properties (such as structural, functional, and spatial information, amino acid conservation, physicochemical variation, residue mobility, and thermodynamic stability) indicates that this missense variant is expected to disrupt FBN1 protein function with a positive predictive value of 95%. This variant affects a cysteine residue in the EGF-like, TGFBP or hybrid motif domains of FBN1. Cysteine residues are believed to be involved in intramolecular disulfide bridges and have been shown to be important for FBN1 protein structure (PMID: 16905551, 19349279). In addition, missense substitutions affecting cysteine residues within these domains are significantly overrepresented among patients with Marfan syndrome (PMID: 16571647, 17701892). For these reasons, this variant has been classified as Pathogenic.

CeGaT Center for Human Genetics Tuebingen
Classification: Likely pathogenic. Last evaluated: 2024-01-01. Review status: criteria provided, single submitter. Criteria: CeGaT Center For Human Genetics Tuebingen Variant Classification Criteria Version 2. Collection method: clinical testing. Allele origin: germline. Affected: yes. Observed: 1 variant allele.
Comment: FBN1: PM1:Strong, PM2, PS4:Moderate

Literature cited by the submitters: PubMed 10189222 (cited by Labcorp Genetics (formerly Invitae), Labcorp); PubMed 31730815 (cited by Labcorp Genetics (formerly Invitae), Labcorp); PubMed 16905551 (cited by Labcorp Genetics (formerly Invitae), Labcorp); PubMed 19349279 (cited by Labcorp Genetics (formerly Invitae), Labcorp); PubMed 16571647 (cited by Labcorp Genetics (formerly Invitae), Labcorp); PubMed 17701892 (cited by Labcorp Genetics (formerly Invitae), Labcorp).